The following is an entry in ClinVar:

NM_001382430.1(AKT1):c.859C>T (p.His287Tyr)

Gene: AKT1 (AKT serine/threonine kinase 1; minus strand). Cytogenetic location: 14q32.33.
Variant type: single nucleotide variant.
Coding change: c.859C>T on transcript NM_001382430.1 (MANE Select); coding-DNA position 859, C replaced by T.
Protein change: p.His287Tyr; replaces histidine 287 with tyrosine.
Molecular consequence: missense variant.
Genome position (GRCh38, 1-based): chr14:104,773,349, G>A on the plus strand (C>T on the coding strand, the complement: AKT1 is on the minus strand). VCF-style: chr14-104773349-G-A. GRCh37 (hg19) VCF-style: chr14-105239686-G-A.
Other names: c.859C>T, p.His287Tyr (NM_001014431.2, NM_001014432.2, NM_001382431.1 and 3 more transcripts); short protein forms H287Y.
Identifiers: ClinVar variation 1763976 (VCV001763976.2), dbSNP rs2542126077, ClinGen allele CA391217966.

ClinVar aggregate classification (germline): Uncertain significance (1 of 4 stars; one submission).

Conditions:
Inborn genetic diseases. Identifiers: MedGen C0950123, MeSH D030342.

Submission:

Ambry Genetics
Classification: Uncertain significance for Inborn genetic diseases. Last evaluated: 2021-12-22. Review status: criteria provided, single submitter. Criteria: Ambry Variant Classification Scheme 2023. Collection method: clinical testing. Allele origin: germline.
Comment: The p.H287Y variant (also known as c.859C>T), located in coding exon 9 of the AKT1 gene, results from a C to T substitution at nucleotide position 859. The histidine at codon 287 is replaced by tyrosine, an amino acid with similar properties. This amino acid position is conserved. In addition, the in silico prediction for this alteration is inconclusive. Since supporting evidence is limited at this time, the clinical significance of this alteration remains unclear.